The following is an entry in ClinVar:

ClinVar aggregate classification (germline): Uncertain significance (1 of 4 stars; one submission).

Allele frequency attached by ClinVar (database versions not stated): TOPMed 0.00001; gnomAD 0.00003.
gnomAD v4.1: 63 of 1,613,360 alleles (0.0039%); highest among the groups gnomAD compares: South Asian, 0.044%; no homozygotes.

Submission:

Labcorp Genetics (formerly Invitae), Labcorp
Classification: Uncertain significance. Last evaluated: 2023-10-13. Review status: criteria provided, single submitter. Criteria: Invitae Variant Classification Sherloc (09022015). Collection method: clinical testing. Allele origin: germline.
Comment: This sequence change replaces proline, which is neutral and non-polar, with leucine, which is neutral and non-polar, at codon 1014 of the TONSL protein (p.Pro1014Leu). This variant is present in population databases (rs775868344, gnomAD 0.05%). This variant has not been reported in the literature in individuals affected with TONSL-related conditions. ClinVar contains an entry for this variant (Variation ID: 1431354). Advanced modeling of protein sequence and biophysical properties (such as structural, functional, and spatial information, amino acid conservation, physicochemical variation, residue mobility, and thermodynamic stability) performed at Invitae indicates that this missense variant is expected to disrupt TONSL protein function. In summary, the available evidence is currently insufficient to determine the role of this variant in disease. Therefore, it has been classified as a Variant of Uncertain Significance.

NM_013432.5(TONSL):c.3041C>T (p.Pro1014Leu)

Gene: TONSL (tonsoku like, DNA repair protein; minus strand). Cytogenetic location: 8q24.3.
Variant type: single nucleotide variant.
Coding change: c.3041C>T on transcript NM_013432.5 (MANE Select); coding-DNA position 3041, C replaced by T.
Protein change: p.Pro1014Leu; replaces proline 1014 with leucine.
Molecular consequence: missense variant.
Genome position (GRCh38, 1-based): chr8:144,434,855, G>A on the plus strand (C>T on the coding strand, the complement: TONSL is on the minus strand). VCF-style: chr8-144434855-G-A. GRCh37 (hg19) VCF-style: chr8-145660238-G-A.
Other names: short protein forms P1014L.
Identifiers: ClinVar variation 1431354 (VCV001431354.6), dbSNP rs775868344, ClinGen allele CA4942620.
Genomic context (GRCh38, chr8:144,434,855, plus strand): 5'-CTCTCCTGGCCCTCACCTTGCCCCAGGCTCTGGCAGGCCCTGCGGTAGCGGTCAGTCAAC[G>A]GGGGCAGGTCCCACGAAGTCACCTCAGCCAACACCTGGAAGGCACCGTCATGAGCCACCT-3'
Protein context (NP_038460.4, residues 1004-1024): LAEVTSWDLP[Pro1014Leu]LTDRYRRACQ